The following is an entry in ClinVar:

ClinVar aggregate classification (germline): Conflicting classifications of pathogenicity. Review status: criteria provided, conflicting classifications (1 of 4 stars). 2 submissions from 2 submitters: Uncertain significance (1); Likely benign (1). Last evaluated 2026-01-12.

Allele frequency attached by ClinVar (database versions not stated): gnomAD exomes 0.00008; TOPMed 0.00001; ExAC 0.00011; gnomAD 0.00002.
gnomAD v4.1: 50 of 1,206,433 alleles (0.0041%); highest among the groups gnomAD compares: South Asian, 0.082%; 2 homozygotes.

Submissions (2):

Labcorp Genetics (formerly Invitae), Labcorp
Classification: Uncertain significance. Last evaluated: 2026-01-12. Review status: criteria provided, single submitter. Criteria: Invitae Variant Classification Sherloc (09022015). Collection method: clinical testing. Allele origin: germline.
Comment: This sequence change replaces aspartic acid, which is acidic and polar, with glutamic acid, which is acidic and polar, at codon 216 of the COL4A6 protein (p.Asp216Glu). This variant is present in population databases (rs753972832, gnomAD 0.07%), and has an allele count higher than expected for a pathogenic variant. This variant has not been reported in the literature in individuals affected with COL4A6-related conditions. ClinVar contains an entry for this variant (Variation ID: 1317442). An algorithm developed to predict the effect of missense changes on protein structure and function outputs the following: PolyPhen-2: "Not Available". The glutamic acid amino acid residue is found in multiple mammalian species, which suggests that this missense change does not adversely affect protein function. In summary, the available evidence is currently insufficient to determine the role of this variant in disease. Therefore, it has been classified as a Variant of Uncertain Significance.

GeneDx
Classification: Likely benign. Last evaluated: 2021-01-13. Review status: criteria provided, single submitter. Criteria: GeneDx Variant Classification Process June 2021. Collection method: clinical testing. Allele origin: germline. Affected: yes.

NM_033641.4(COL4A6):c.645T>G (p.Asp215Glu)

Gene: COL4A6 (collagen type IV alpha 6 chain; minus strand). Cytogenetic location: Xq22.3.
Variant type: single nucleotide variant.
Coding change: c.645T>G on transcript NM_033641.4 (MANE Select); coding-DNA position 645, T replaced by G.
Protein change: p.Asp215Glu; replaces aspartic acid 215 with glutamic acid.
Molecular consequence: missense variant.
Genome position (GRCh38, 1-based): chrX:108,205,660, A>C on the plus strand (T>G on the coding strand, the complement: COL4A6 is on the minus strand). VCF-style: chrX-108205660-A-C. GRCh37 (hg19) VCF-style: chrX-107448890-A-C.
Other names: c.645T>G, p.Asp215Glu (NM_001287760.2, NM_001287758.2, NM_001287759.2); c.648T>G, p.Asp216Glu (NM_001847.4); short protein forms D215E, D216E.
Identifiers: ClinVar variation 1317442 (VCV001317442.4), dbSNP rs753972832, ClinGen allele CA10488071.